The following is an entry in ClinVar:

NM_014014.5(SNRNP200):c.5467T>G (p.Tyr1823Asp)

Gene: SNRNP200 (small nuclear ribonucleoprotein U5 subunit 200; minus strand). Cytogenetic location: 2q11.2.
Variant type: single nucleotide variant.
Coding change: c.5467T>G on transcript NM_014014.5 (MANE Select); coding-DNA position 5467, T replaced by G.
Protein change: p.Tyr1823Asp; replaces tyrosine 1823 with aspartic acid.
Molecular consequence: missense variant.
Genome position (GRCh38, 1-based): chr2:96,278,568, A>C on the plus strand (T>G on the coding strand, the complement: SNRNP200 is on the minus strand). VCF-style: chr2-96278568-A-C. GRCh37 (hg19) VCF-style: chr2-96944306-A-C.
Other names: short protein forms Y1823D.
Identifiers: ClinVar variation 838999 (VCV000838999.10), dbSNP rs769995359, ClinGen allele CA347659152.

ClinVar aggregate classification (germline): Uncertain significance (1 of 4 stars; one submission).

Submission:

Labcorp Genetics (formerly Invitae), Labcorp
Classification: Uncertain significance. Last evaluated: 2019-12-27. Review status: criteria provided, single submitter. Criteria: Invitae Variant Classification Sherloc (09022015). Collection method: clinical testing. Allele origin: germline.
Comment: This sequence change replaces tyrosine with aspartic acid at codon 1823 of the SNRNP200 protein (p.Tyr1823Asp). The tyrosine residue is moderately conserved and there is a large physicochemical difference between tyrosine and aspartic acid. In summary, the available evidence is currently insufficient to determine the role of this variant in disease. Therefore, it has been classified as a Variant of Uncertain Significance. Algorithms developed to predict the effect of missense changes on protein structure and function are either unavailable or do not agree on the potential impact of this missense change (SIFT: "Tolerated"; PolyPhen-2: "Probably Damaging"; Align-GVGD: "Class C0"). This variant has not been reported in the literature in individuals with SNRNP200-related conditions. This variant is not present in population databases (ExAC no frequency).